The following is an entry in ClinVar:

NM_000152.5(GAA):c.1114C>T (p.His372Tyr)

Gene: GAA (alpha glucosidase; plus strand). Cytogenetic location: 17q25.3.
Variant type: single nucleotide variant.
Coding change: c.1114C>T on transcript NM_000152.5 (MANE Select); coding-DNA position 1114, C replaced by T.
Protein change: p.His372Tyr; replaces histidine 372 with tyrosine.
Molecular consequence: missense variant.
Genome position (GRCh38, 1-based): chr17:80,108,527, C>T. VCF-style: chr17-80108527-C-T. GRCh37 (hg19) VCF-style: chr17-78082326-C-T.
Other names: c.1114C>T (LRG_673t1); c.1114C>T, p.His372Tyr (NM_001079803.3, NM_001079804.3); short protein forms H372Y.
Identifiers: ClinVar variation 579993 (VCV000579993.14), dbSNP rs1555600070, ClinGen allele CA401364982.
Genomic context (GRCh38, chr17:80,108,527, plus strand): 5'-TGAAGTCGGCGTTGGCCTGCAGGATACCCGTTCATGCCGCCATACTGGGGCCTGGGCTTC[C>T]ACCTGTGCCGCTGGGGCTACTCCTCCACCGCTATCACCCGCCAGGTGGTGGAGAACATGA-3'
Protein context (NP_000143.2, residues 362-382): FMPPYWGLGF[His372Tyr]LCRWGYSSTA

ClinVar aggregate classification (germline): Conflicting classifications of pathogenicity. Review status: criteria provided, conflicting classifications (1 of 4 stars). 5 submissions from 5 submitters: Likely pathogenic (3); Uncertain significance (2). Last evaluated 2026-07-01.

Conditions:
Glycogen storage disease, type II (IOPD). Also called: Pompe Disease; CARDIOMEGALIA GLYCOGENICA DIFFUSA; GLYCOGENOSIS, GENERALIZED, CARDIAC FORM; GSD II; POMPE DISEASE, INFANTILE-ONSET; GLYCOGEN STORAGE DISEASE II, INFANTILE-ONSET. Identifiers: Orphanet 365, MedGen C0017921, MONDO:0009290, OMIM 232300.

Allele frequency attached by ClinVar (database versions not stated): gnomAD exomes below 0.00001.
gnomAD v4.1: 6 of 1,613,090 alleles (0.00037%); highest among the groups gnomAD compares: Non-Finnish European, 0.00051%; no homozygotes.

Submissions (5):

Genomenon, Inc
Classification: Uncertain significance for Glycogen storage disease, type II. Last evaluated: 2026-07-01. Review status: criteria provided, single submitter. Criteria: Genomenon Sequence Variant Interpretation Standards - Updated. Collection method: curation. Allele origin: germline. Affected: yes.
Comment: GAA p.His372Tyr (c.1114C>T) is a missense variant that changes the amino acid at codon 372 from Histidine to Tyrosine. This variant has been observed in at least one proband with a GAA-related disorder in the compound heterozygous and/or homozygous state (PMID:37087815;30214072). It is absent or not present at a significant frequency in gnomAD. In silico models predict that this variant is possibly or probably damaging. In conclusion, we classify GAA p.His372Tyr (c.1114C>T) as a variant of uncertain significance.

Revvity Omics, Revvity
Classification: Likely pathogenic. Last evaluated: 2025-03-12. Review status: criteria provided, single submitter. Criteria: ACMG Guidelines, 2015. Collection method: clinical testing. Allele origin: germline.

Labcorp Genetics (formerly Invitae), Labcorp
Classification: Likely pathogenic for Glycogen storage disease, type II. Last evaluated: 2023-09-21. Review status: criteria provided, single submitter. Criteria: Invitae Variant Classification Sherloc (09022015). Collection method: clinical testing. Allele origin: germline.
Comment: ClinVar contains an entry for this variant (Variation ID: 579993). Advanced modeling of protein sequence and biophysical properties (such as structural, functional, and spatial information, amino acid conservation, physicochemical variation, residue mobility, and thermodynamic stability) performed at Invitae indicates that this missense variant is expected to disrupt GAA protein function. This variant disrupts the p.His372 amino acid residue in GAA. Other variant(s) that disrupt this residue have been determined to be pathogenic (PMID: 15121988, 31467850, 31676142). This suggests that this residue is clinically significant, and that variants that disrupt this residue are likely to be disease-causing. This sequence change replaces histidine, which is basic and polar, with tyrosine, which is neutral and polar, at codon 372 of the GAA protein (p.His372Tyr). This variant is not present in population databases (gnomAD no frequency). This missense change has been observed in individual(s) with clinical features of GAA-related conditions (PMID: 31342611). In summary, the currently available evidence indicates that the variant is pathogenic, but additional data are needed to prove that conclusively. Therefore, this variant has been classified as Likely Pathogenic.

Baylor Genetics
Classification: Likely pathogenic for Glycogen storage disease, type II. Last evaluated: 2023-09-13. Review status: criteria provided, single submitter. Criteria: ACMG Guidelines, 2015. Collection method: clinical testing. Allele origin: unknown.

Department of Pathology and Laboratory Medicine, Sinai Health System
Classification: Uncertain significance for Glycogen storage disease, type II. Last evaluated: 2022-08-30. Review status: criteria provided, single submitter. Criteria: ACMG Guidelines, 2015. Collection method: research. Allele origin: germline.

Literature cited by the submitters: PubMed 37087815 (cited by Genomenon, Inc); PubMed 30214072 (cited by Genomenon, Inc); PubMed 15121988 (cited by Labcorp Genetics (formerly Invitae), Labcorp); PubMed 31467850 (cited by Labcorp Genetics (formerly Invitae), Labcorp); PubMed 31676142 (cited by Labcorp Genetics (formerly Invitae), Labcorp); PubMed 31342611 (cited by Labcorp Genetics (formerly Invitae), Labcorp).